The following is an entry in ClinVar:

NC_000008.10:g.(?_145741748)_(145958266_?)del

Genes: ARHGAP39 (Rho GTPase activating protein 39; minus strand), C8orf82 (chromosome 8 open reading frame 82; minus strand), LRRC14 (leucine rich repeat containing 14; plus strand), LRRC24 (leucine rich repeat containing 24; minus strand), RECQL4 (RecQ like helicase 4; minus strand) and 1 more. Cytogenetic location: 8q24.3.
Variant type: Deletion.
Identifiers: ClinVar variation 2425051 (VCV002425051.5).

ClinVar aggregate classification (germline): Pathogenic (1 of 4 stars; one submission).

Conditions:
Baller-Gerold syndrome (BGS). Also called: CRANIOSYNOSTOSIS WITH RADIAL DEFECTS. Identifiers: Orphanet 1225, MedGen C0265308, MONDO:0009039, OMIM 218600.

Submission:

Labcorp Genetics (formerly Invitae), Labcorp
Classification: Pathogenic for Baller-Gerold syndrome. Last evaluated: 2022-05-04. Review status: criteria provided, single submitter. Criteria: Invitae Variant Classification Sherloc (09022015). Collection method: clinical testing. Allele origin: germline.
Comment: For these reasons, this variant has been classified as Pathogenic. This variant results in the deletion of exons 1-4 and part of exon 5 (c.-215098_755del) of the RECQL4 gene. It is expected to result in an absent or disrupted protein product. Loss-of-function variants in RECQL4 are known to be pathogenic (PMID: 12734318, 12952869). This variant has not been reported in the literature in individuals affected with RECQL4-related conditions.

Literature cited by the submitters: PubMed 12734318; PubMed 12952869.